The following is an entry in ClinVar:

NM_001349253.2(SCN11A):c.2549T>C (p.Leu850Pro)

Gene: SCN11A (sodium voltage-gated channel alpha subunit 11; minus strand). Cytogenetic location: 3p22.2.
Variant type: single nucleotide variant.
Coding change: c.2549T>C on transcript NM_001349253.2 (MANE Select); coding-DNA position 2549, T replaced by C.
Protein change: p.Leu850Pro; replaces leucine 850 with proline.
Molecular consequence: missense variant.
Genome position (GRCh38, 1-based): chr3:38,894,819, A>G on the plus strand (T>C on the coding strand, the complement: SCN11A is on the minus strand). VCF-style: chr3-38894819-A-G. GRCh37 (hg19) VCF-style: chr3-38936310-A-G.
Other names: c.2549T>C, p.Leu850Pro (NM_014139.3); short protein forms L850P.
Identifiers: ClinVar variation 703323 (VCV000703323.15), dbSNP rs138439635, ClinGen allele CA2322014.

ClinVar aggregate classification (germline): Likely benign. Review status: criteria provided, multiple submitters, no conflicts (2 of 4 stars). 3 submissions from 3 submitters: Likely benign (2). 1 of the submissions does not count toward it. Last evaluated 2026-01-15.

Conditions:
Hereditary sensory and autonomic neuropathy type 7. Also called: HSAN VII; Neuropathy, hereditary sensory and autonomic, type VII. Identifiers: Orphanet 391397, MedGen C3809882, MONDO:0014244, OMIM 615548.
Familial episodic pain syndrome with predominantly lower limb involvement. Also called: Episodic pain syndrome, familial, 3. Identifiers: Orphanet 391384, Orphanet 391392, MedGen C3809899, MONDO:0014247, OMIM 615552.
SCN11A-related disorder. Also called: SCN11A-related condition.
Inborn genetic diseases. Identifiers: MedGen C0950123, MeSH D030342.

Allele frequency attached by ClinVar (database versions not stated): gnomAD exomes 0.00007 and 0.00019; ESP Exome Variant Server 0.00108; ExAC 0.00027; gnomAD 0.00061 and 0.00063; TOPMed 0.00078; 1000 Genomes Project 0.00120; 1000 Genomes Project 30x 0.00109.
gnomAD v4.1: 195 of 1,614,214 alleles (0.012%); highest among the groups gnomAD compares: African/African-American, 0.24%; no homozygotes.

Submissions (3):

Labcorp Genetics (formerly Invitae), Labcorp
Classification: Likely benign for Familial episodic pain syndrome with predominantly lower limb involvement; Hereditary sensory and autonomic neuropathy type 7. Last evaluated: 2026-01-15. Review status: criteria provided, single submitter. Criteria: Invitae Variant Classification Sherloc (09022015). Collection method: clinical testing. Allele origin: germline.

Ambry Genetics
Classification: Likely benign for Inborn genetic diseases. Last evaluated: 2019-09-26. Review status: criteria provided, single submitter. Criteria: Ambry Variant Classification Scheme 2023. Collection method: clinical testing. Allele origin: germline.

PreventionGenetics, part of Exact Sciences
Classification: Likely benign for SCN11A-related condition. Last evaluated: 2021-02-01. Review status: no assertion criteria provided. Collection method: clinical testing. Allele origin: germline. Not counted in ClinVar's aggregate classification.
Comment: This variant is classified as likely benign based on ACMG/AMP sequence variant interpretation guidelines (Richards et al. 2015 PMID: 25741868, with internal and published modifications).